The following is an entry in ClinVar:

Conditions:
Arteriohepatic dysplasia. Also called: Alagille Syndrome. Identifiers: Orphanet 52, MedGen C0085280, MeSH D016738, MONDO:0007318.

Submission:

Gilbert/Spinner Lab, Children's Hospital of Philadelphia
No classification provided (evidence only). Condition: Alagille syndrome. Review status: no classification provided. Collection method: research. Allele origin: not applicable. Functional consequence: functionally_abnormal.
ClinVar note: "not provided" was previously submitted as the classification for the variant. However, the classification appeared to be based only on an observation of functional data so it was converted to no classification on 2025-07-30.

NM_000214.3(JAG1):c.500G>T (p.Trp167Leu)

Gene: JAG1 (jagged canonical Notch ligand 1; minus strand). Cytogenetic location: 20p12.2.
Variant type: single nucleotide variant.
Coding change: c.500G>T on transcript NM_000214.3 (MANE Select); coding-DNA position 500, G replaced by T.
Protein change: p.Trp167Leu; replaces tryptophan 167 with leucine.
Molecular consequence: missense variant.
Genome position (GRCh38, 1-based): chr20:10,658,662, C>A on the plus strand (G>T on the coding strand, the complement: JAG1 is on the minus strand). VCF-style: chr20-10658662-C-A. GRCh37 (hg19) VCF-style: chr20-10639310-C-A.
Other names: short protein forms W167L.
Identifiers: ClinVar variation 3573044 (VCV003573044.2).